The following is an entry in ClinVar:

NM_032043.3(BRIP1):c.2035C>T (p.Leu679Phe)

Gene: BRIP1 (BRCA1 interacting DNA helicase 1; minus strand). Cytogenetic location: 17q23.2.
Variant type: single nucleotide variant.
Coding change: c.2035C>T on transcript NM_032043.3 (MANE Select); coding-DNA position 2035, C replaced by T.
Protein change: p.Leu679Phe; replaces leucine 679 with phenylalanine.
Molecular consequence: missense variant.
Genome position (GRCh38, 1-based): chr17:61,776,463, G>A on the plus strand (C>T on the coding strand, the complement: BRIP1 is on the minus strand). VCF-style: chr17-61776463-G-A. GRCh37 (hg19) VCF-style: chr17-59853824-G-A.
Other names: short protein forms L679F.
Identifiers: ClinVar variation 483197 (VCV000483197.19), dbSNP rs1555601056, ClinGen allele CA400478246.

ClinVar aggregate classification (germline): Uncertain significance. Review status: criteria provided, multiple submitters, no conflicts (2 of 4 stars). 4 submissions from 4 submitters: Uncertain significance (4). Last evaluated 2025-07-27.

Conditions:
Hereditary cancer-predisposing syndrome. Also called: Hereditary neoplastic syndrome; Neoplastic Syndromes, Hereditary; Tumor predisposition; Hereditary Cancer Syndrome. Identifiers: Orphanet 140162, MedGen C0027672, MeSH D009386, MONDO:0015356.
Fanconi anemia complementation group J. Also called: BRIP1-Related Fanconi Anemia. Identifiers: Orphanet 84, MedGen C1836860, MONDO:0012187, OMIM 609054.
Familial cancer of breast. Also called: BREAST CANCER, FAMILIAL; Hereditary breast cancer; hereditary breast carcinoma. Identifiers: Orphanet 227535, MedGen C0346153, MONDO:0016419, OMIM 114480. Disease mechanism: loss of function.

Allele frequency attached by ClinVar (database versions not stated): gnomAD below 0.00001 and 0.00001; gnomAD exomes below 0.00001.
gnomAD v4.1: 2 of 1,613,970 alleles (0.00012%); highest among the groups gnomAD compares: South Asian, 0.0011%; no homozygotes.

Submissions (4):

Labcorp Genetics (formerly Invitae), Labcorp
Classification: Uncertain significance for Familial cancer of breast; Fanconi anemia complementation group J. Last evaluated: 2025-07-27. Review status: criteria provided, single submitter. Criteria: Invitae Variant Classification Sherloc (09022015). Collection method: clinical testing. Allele origin: germline.
Comment: This sequence change replaces leucine, which is neutral and non-polar, with phenylalanine, which is neutral and non-polar, at codon 679 of the BRIP1 protein (p.Leu679Phe). This variant is not present in population databases (gnomAD no frequency). This variant has not been reported in the literature in individuals affected with BRIP1-related conditions. ClinVar contains an entry for this variant (Variation ID: 483197). Invitae Evidence Modeling of protein sequence and biophysical properties (such as structural, functional, and spatial information, amino acid conservation, physicochemical variation, residue mobility, and thermodynamic stability) has been performed for this missense variant. However, the output from this modeling did not meet the statistical confidence thresholds required to predict the impact of this variant on BRIP1 protein function. In summary, the available evidence is currently insufficient to determine the role of this variant in disease. Therefore, it has been classified as a Variant of Uncertain Significance.

Ambry Genetics
Classification: Uncertain significance for Hereditary cancer-predisposing syndrome. Last evaluated: 2023-06-12. Review status: criteria provided, single submitter. Criteria: Ambry Variant Classification Scheme 2023. Collection method: clinical testing. Allele origin: germline.
Comment: The p.L679F variant (also known as c.2035C>T), located in coding exon 13 of the BRIP1 gene, results from a C to T substitution at nucleotide position 2035. The leucine at codon 679 is replaced by phenylalanine, an amino acid with highly similar properties. This amino acid position is highly conserved in available vertebrate species. In addition, the in silico prediction for this alteration is inconclusive. Since supporting evidence is limited at this time, the clinical significance of this alteration remains unclear.

Quest Diagnostics Nichols Institute San Juan Capistrano
Classification: Uncertain significance. Last evaluated: 2022-12-23. Review status: criteria provided, single submitter. Criteria: Quest Diagnostics criteria. Collection method: clinical testing. Allele origin: unknown.
Comment: The variant has not been reported in the published literature. The frequency of this variant in the general population, 0.0000066 (1/152138 chromosomes), is uninformative in assessment of its pathogenicity. Analysis of this variant using bioinformatics tools for the prediction of the effect of amino acid changes on protein structure and function yielded conflicting predictions that this variant is benign or damaging. Based on the available information, we are unable to determine the clinical significance of this variant.

Color Diagnostics, LLC DBA Color Health
Classification: Uncertain significance for Hereditary cancer-predisposing syndrome. Last evaluated: 2019-04-04. Review status: criteria provided, single submitter. Criteria: ACMG Guidelines, 2015. Collection method: clinical testing. Allele origin: germline.